The following is an entry in ClinVar:

ClinVar aggregate classification (germline): Pathogenic (1 of 4 stars; one submission).

Conditions:
Hyperinsulinemic hypoglycemia, familial, 1 (HHF1). Also called: HYPERINSULINISM, FAMILIAL, WITH PANCREATIC NESIDIOBLASTOSIS; HYPOGLYCEMIA, HYPERINSULINEMIC, OF INFANCY; NESIDIOBLASTOSIS OF PANCREAS; Persistent Hyperinsulinemia Hypoglycemia of Infancy; Persistent hyperinsulinemic hypoglycemia of infancy. Identifiers: Orphanet 276575, Orphanet 276598, MedGen C2931832, MONDO:0009734, OMIM 256450.

Submission:

Myriad Genetics, Inc.
Classification: Pathogenic for Hyperinsulinemic hypoglycemia, familial, 1. Last evaluated: 2026-08-29. Review status: criteria provided, single submitter. Criteria: Myriad Autosomal Dominant, Autosomal Recessive and X-Linked Classification Criteria (2023). Collection method: clinical testing. Allele origin: unknown.
Comment: NM_000352.3(ABCC8):c.2336_2343del8ins3(L779Qfs*10) is expected to be pathogenic in the context of familial hyperinsulinism, ABCC8-related. This variant is predicted to lead to an abnormal or absent protein product due to the creation of a premature termination codon in ABCC8, a gene where loss-of-function variants are known to be pathogenic. Please note: this variant was assessed in the context of healthy population screening.

NM_000352.6(ABCC8):c.2336_2343delinsAGG (p.Leu779fs)

Genes: ABCC8 (ATP binding cassette subfamily C member 8; minus strand), LOC110121471 (VISTA enhancer hs1977; plus strand). Cytogenetic location: 11p15.1.
Variant type: Indel.
Coding change: c.2336_2343delinsAGG on transcript NM_000352.6 (MANE Select); coding-DNA positions 2336 to 2343, TAAATGCC replaced by AGG.
Protein change: p.Leu779fs; shifts the reading frame from leucine 779.
Molecular consequence: frameshift variant. On other transcripts: non-coding transcript variant (1).
Genome position (GRCh38, 1-based): chr11:17,414,559-17,414,566, GGCATTTA replaced by CCT on the plus strand (TAAATGCC replaced by AGG on the coding strand, the reverse complement: ABCC8 is on the minus strand). VCF-style: chr11-17414559-GGCATTTA-CCT. GRCh37 (hg19) VCF-style: chr11-17436106-GGCATTTA-CCT.
Other names: c.2339_2346delinsAGG, p.Leu780fs (NM_001287174.3); c.2402_2409delinsAGG, p.Leu801fs (NM_001351295.2); c.2336_2343delinsAGG, p.Leu779fs (NM_001351296.2); c.2333_2340delinsAGG, p.Leu778fs (NM_001351297.2); short protein forms L778fs, L779fs, L780fs, L801fs.
Identifiers: ClinVar variation 5016305 (VCV005016305.1).